The following is an entry in ClinVar:

NM_002472.3(MYH8):c.1829G>T (p.Gly610Val)

Genes: MYH8 (myosin heavy chain 8; minus strand), MYHAS (myosin heavy chain gene cluster antisense RNA; plus strand). Cytogenetic location: 17p13.1.
Variant type: single nucleotide variant.
Coding change: c.1829G>T on transcript NM_002472.3 (MANE Select); coding-DNA position 1829, G replaced by T.
Protein change: p.Gly610Val; replaces glycine 610 with valine.
Molecular consequence: missense variant.
Genome position (GRCh38, 1-based): chr17:10,409,347, C>A on the plus strand (G>T on the coding strand, the complement: MYH8 is on the minus strand). VCF-style: chr17-10409347-C-A. GRCh37 (hg19) VCF-style: chr17-10312664-C-A.
Other names: short protein forms G610V.
Identifiers: ClinVar variation 4976449 (VCV004976449.1).

ClinVar aggregate classification (germline): Uncertain significance (1 of 4 stars; one submission).

gnomAD v4.1: 1 of 1,614,056 alleles (0.000062%); highest among the groups gnomAD compares: African/African-American, 0.0013%; no homozygotes.

Submission:

GeneDx
Classification: Uncertain significance. Last evaluated: 2026-02-08. Review status: criteria provided, single submitter. Criteria: GeneDx Variant Classification Process June 2021. Collection method: clinical testing. Allele origin: germline.
Comment: Not observed at significant frequency in large population cohorts (gnomAD); In silico analysis supports that this missense variant has a deleterious effect on protein structure/function; Has not been previously published as pathogenic or benign to our knowledge